The following is an entry in ClinVar:

ClinVar aggregate classification (germline): Uncertain significance (1 of 4 stars; one submission).

Submission:

Ambry Genetics
Classification: Uncertain significance. Last evaluated: 2025-11-29. Review status: criteria provided, single submitter. Criteria: Ambry Variant Classification Scheme 2023. Collection method: clinical testing. Allele origin: germline.
Comment: The p.L1091F variant (also known as c.3271C>T), located in coding exon 1 of the MLH3 gene, results from a C to T substitution at nucleotide position 3271. The leucine at codon 1091 is replaced by phenylalanine, an amino acid with highly similar properties. This amino acid position is conserved. In addition, this alteration is predicted to be tolerated by in silico analysis. Since supporting evidence is limited at this time, the clinical significance of this alteration remains unclear.

NM_001040108.2(MLH3):c.3271C>T (p.Leu1091Phe)

Gene: MLH3 (mutL homolog 3; minus strand). Cytogenetic location: 14q24.3.
Variant type: single nucleotide variant.
Coding change: c.3271C>T on transcript NM_001040108.2 (MANE Select); coding-DNA position 3271, C replaced by T.
Protein change: p.Leu1091Phe; replaces leucine 1091 with phenylalanine.
Molecular consequence: missense variant.
Genome position (GRCh38, 1-based): chr14:75,046,385, G>A on the plus strand (C>T on the coding strand, the complement: MLH3 is on the minus strand). VCF-style: chr14-75046385-G-A. GRCh37 (hg19) VCF-style: chr14-75513088-G-A.
Other names: c.3271C>T, p.Leu1091Phe (NM_014381.3); short protein forms L1091F.
Identifiers: ClinVar variation 2625673 (VCV002625673.3), dbSNP rs2503250084, ClinGen allele CA390434060.
Genomic context (GRCh38, chr14:75,046,385, plus strand): 5'-AGCATTCCCATCTTCAAAAGCATCTCATGCACATGAATACTACGTACTTACCATTCTCAA[G>A]TACAACATCCACAGCCACAGTTGTCAGGTCTTTAGTACAAGCAGCCTGAATGTCCTCAGT-3'
Protein context (NP_001035197.1, residues 1081-1101): DLTTVAVDVV[Leu1091Phe]ENGSQYRCQP